The following is an entry in ClinVar:

NM_001349798.2(FBXW7):c.1085A>T (p.Asp362Val)

Gene: FBXW7 (F-box and WD repeat domain containing 7; minus strand). Cytogenetic location: 4q31.3.
Variant type: single nucleotide variant.
Coding change: c.1085A>T on transcript NM_001349798.2 (MANE Select); coding-DNA position 1085, A replaced by T.
Protein change: p.Asp362Val; replaces aspartic acid 362 with valine.
Molecular consequence: missense variant.
Genome position (GRCh38, 1-based): chr4:152,330,769, T>A on the plus strand (A>T on the coding strand, the complement: FBXW7 is on the minus strand). VCF-style: chr4-152330769-T-A. GRCh37 (hg19) VCF-style: chr4-153251921-T-A.
Other names: c.731A>T, p.Asp244Val (NM_001013415.2); c.845A>T, p.Asp282Val (NM_018315.5); c.1085A>T, p.Asp362Val (NM_033632.3); short protein forms D244V, D282V, D362V.
Identifiers: ClinVar variation 4811997 (VCV004811997.1).
Genomic context (GRCh38, chr4:152,330,769, plus strand): 5'-TACATTGTGCAGAGTTCAGTTACCTTAGGAGATTTGAGTTCTCCTCGCCTCCAGTTAGTA[T>A]CAATTCTGTGCTGTCTGATGTATGCACTTTTCCATGGACTGTGTATGAAACCTGGTTTTA-3'
Protein context (NP_001336727.1, residues 352-372): KSAYIRQHRI[Asp362Val]TNWRRGELKS

ClinVar aggregate classification (germline): Uncertain significance (1 of 4 stars; one submission).

gnomAD v4.1: 1 of 1,612,500 alleles (0.000062%); highest among the groups gnomAD compares: Admixed American, 0.0017%; no homozygotes.

Submission:

Labcorp Genetics (formerly Invitae), Labcorp
Classification: Uncertain significance. Last evaluated: 2025-09-03. Review status: criteria provided, single submitter. Criteria: Invitae Variant Classification Sherloc (09022015). Collection method: clinical testing. Allele origin: germline.
Comment: This sequence change replaces aspartic acid, which is acidic and polar, with valine, which is neutral and non-polar, at codon 362 of the FBXW7 protein (p.Asp362Val). This variant is not present in population databases (gnomAD no frequency). This variant has not been reported in the literature in individuals affected with FBXW7-related conditions. An algorithm developed to predict the effect of missense changes on protein structure and function (PolyPhen-2) suggests that this variant is likely to be disruptive. In summary, the available evidence is currently insufficient to determine the role of this variant in disease. Therefore, it has been classified as a Variant of Uncertain Significance.